The following is an entry in ClinVar:

ClinVar aggregate classification (germline): Uncertain significance (1 of 4 stars; one submission).

gnomAD v4.1: 1 of 1,529,608 alleles (0.000065%); highest among the groups gnomAD compares: East Asian, 0.0025%; no homozygotes.

Submission:

GeneDx
Classification: Uncertain significance. Last evaluated: 2023-11-30. Review status: criteria provided, single submitter. Criteria: GeneDx Variant Classification Process June 2021. Collection method: clinical testing. Allele origin: germline. Affected: yes.
Comment: Missense variants in this gene are a common cause of disease and they are underrepresented in the general population; In silico analysis supports that this missense variant does not alter protein structure/function; Has not been previously published as pathogenic or benign to our knowledge

NM_004333.6(BRAF):c.110C>T (p.Ser37Leu)

Gene: BRAF (B-Raf proto-oncogene, serine/threonine kinase; minus strand). Cytogenetic location: 7q34.
Variant type: single nucleotide variant.
Coding change: c.110C>T on transcript NM_004333.6 (MANE Select); coding-DNA position 110, C replaced by T.
Protein change: p.Ser37Leu; replaces serine 37 with leucine.
Molecular consequence: missense variant.
Genome position (GRCh38, 1-based): chr7:140,924,594, G>A on the plus strand (C>T on the coding strand, the complement: BRAF is on the minus strand). VCF-style: chr7-140924594-G-A. GRCh37 (hg19) VCF-style: chr7-140624394-G-A.
Other names: c.110C>T, p.Ser37Leu (NM_001354609.2, NM_001374244.1, NM_001374258.1 and 7 more transcripts); short protein forms S37L.
Identifiers: ClinVar variation 3365094 (VCV003365094.1).